The following is an entry in ClinVar:

ClinVar aggregate classification (germline): Uncertain significance (1 of 4 stars; one submission).

gnomAD v4.1: 3 of 1,613,770 alleles (0.00019%); highest among the groups gnomAD compares: Admixed American, 0.0033%; no homozygotes.

Submission:

Labcorp Genetics (formerly Invitae), Labcorp
Classification: Uncertain significance. Last evaluated: 2024-06-22. Review status: criteria provided, single submitter. Criteria: Invitae Variant Classification Sherloc (09022015). Collection method: clinical testing. Allele origin: germline.
Comment: This sequence change replaces glycine, which is neutral and non-polar, with valine, which is neutral and non-polar, at codon 277 of the SLCO5A1 protein (p.Gly277Val). This variant is present in population databases (no rsID available, gnomAD 0.003%). This variant has not been reported in the literature in individuals affected with SLCO5A1-related conditions. An algorithm developed to predict the effect of missense changes on protein structure and function (PolyPhen-2) suggests that this variant is likely to be disruptive. In summary, the available evidence is currently insufficient to determine the role of this variant in disease. Therefore, it has been classified as a Variant of Uncertain Significance.

NM_030958.3(SLCO5A1):c.830G>T (p.Gly277Val)

Gene: SLCO5A1 (solute carrier organic anion transporter family member 5A1; minus strand). Cytogenetic location: 8q13.3.
Variant type: single nucleotide variant.
Coding change: c.830G>T on transcript NM_030958.3 (MANE Select); coding-DNA position 830, G replaced by T.
Protein change: p.Gly277Val; replaces glycine 277 with valine.
Molecular consequence: missense variant.
Genome position (GRCh38, 1-based): chr8:69,831,844, C>A on the plus strand (G>T on the coding strand, the complement: SLCO5A1 is on the minus strand). VCF-style: chr8-69831844-C-A. GRCh37 (hg19) VCF-style: chr8-70744079-C-A.
Other names: c.830G>T, p.Gly277Val (NM_001146008.2, NM_001146009.1); short protein forms G277V.
Identifiers: ClinVar variation 3613706 (VCV003613706.2).